The following is an entry in ClinVar:

ClinVar aggregate classification (germline): Uncertain significance (1 of 4 stars; one submission).

Conditions:
Hereditary spastic paraplegia 49 (HSAN9). Also called: Spastic paraplegia 49, autosomal recessive; TECPR2-Related Hereditary Sensory and Autonomic Neuropathy with Intellectual Disability; NEUROPATHY, HEREDITARY SENSORY AND AUTONOMIC, TYPE IX, WITH DEVELOPMENTAL DELAY. Identifiers: Orphanet 320385, MedGen C5190860, MONDO:0014016, OMIM 615031.

Submission:

Labcorp Genetics (formerly Invitae), Labcorp
Classification: Uncertain significance for Hereditary spastic paraplegia 49. Last evaluated: 2025-12-31. Review status: criteria provided, single submitter. Criteria: Invitae Variant Classification Sherloc (09022015). Collection method: clinical testing. Allele origin: germline.
Comment: This sequence change replaces proline, which is neutral and non-polar, with leucine, which is neutral and non-polar, at codon 355 of the TECPR2 protein (p.Pro355Leu). This variant is present in population databases (no rsID available, gnomAD 0.0009%). This variant has not been reported in the literature in individuals affected with TECPR2-related conditions. An algorithm developed to predict the effect of missense changes on protein structure and function (PolyPhen-2) suggests that this variant is likely to be disruptive. In summary, the available evidence is currently insufficient to determine the role of this variant in disease. Therefore, it has been classified as a Variant of Uncertain Significance.

NM_014844.5(TECPR2):c.1064C>T (p.Pro355Leu)

Gene: TECPR2 (tectonin beta-propeller repeat containing 2; plus strand). Cytogenetic location: 14q32.31.
Variant type: single nucleotide variant.
Coding change: c.1064C>T on transcript NM_014844.5 (MANE Select); coding-DNA position 1064, C replaced by T.
Protein change: p.Pro355Leu; replaces proline 355 with leucine.
Molecular consequence: missense variant.
Genome position (GRCh38, 1-based): chr14:102,428,362, C>T. VCF-style: chr14-102428362-C-T. GRCh37 (hg19) VCF-style: chr14-102894699-C-T.
Other names: c.1064C>T, p.Pro355Leu (NM_001172631.3); short protein forms P355L.
Identifiers: ClinVar variation 4705630 (VCV004705630.1).